The following is an entry in ClinVar:

ClinVar aggregate classification (germline): Benign/Likely benign. Review status: criteria provided, multiple submitters, no conflicts (2 of 4 stars). 5 submissions from 5 submitters: Benign (1); Likely benign (4). Last evaluated 2026-09-12.

Conditions:
Rhabdoid tumor predisposition syndrome 2 (RTPS2). Identifiers: Orphanet 231108, Orphanet 69077, MedGen C2750074, MONDO:0013224, OMIM 613325.
SMARCA4-related disorder. Also called: SMARCA4-related condition.
Hereditary cancer-predisposing syndrome. Also called: Tumor predisposition; Neoplastic Syndromes, Hereditary; Hereditary Cancer Syndrome; Hereditary neoplastic syndrome. Identifiers: Orphanet 140162, MedGen C0027672, MeSH D009386, MONDO:0015356.

Allele frequency attached by ClinVar (database versions not stated): gnomAD exomes below 0.00001 and 0.00001; gnomAD 0.00002; TOPMed 0.00003.
gnomAD v4.1: 7 of 1,613,990 alleles (0.00043%); highest among the groups gnomAD compares: Admixed American, 0.01%; no homozygotes.

Submissions (5):

PreventionGenetics, part of Exact Sciences
Classification: Likely benign for SMARCA4-related condition. Last evaluated: 2026-09-12. Review status: criteria provided, single submitter. Criteria: ACMG Guidelines, 2015. Collection method: clinical testing. Allele origin: germline.
Comment: This variant is classified as likely benign based on ACMG/AMP sequence variant interpretation guidelines (Richards et al. 2015 PMID: 25741868, with internal and published modifications).

Myriad Genetics, Inc.
Classification: Benign for Rhabdoid tumor predisposition syndrome 2. Last evaluated: 2026-07-10. Review status: criteria provided, single submitter. Criteria: Myriad Autosomal Dominant, Autosomal Recessive and X-Linked Classification Criteria (2023). Collection method: clinical testing. Allele origin: unknown.
Comment: This variant is considered benign. This variant is a silent/synonymous amino acid change and it is not expected to impact splicing.

Labcorp Genetics (formerly Invitae), Labcorp
Classification: Likely benign for Rhabdoid tumor predisposition syndrome 2. Last evaluated: 2026-01-31. Review status: criteria provided, single submitter. Criteria: Invitae Variant Classification Sherloc (09022015). Collection method: clinical testing. Allele origin: germline.

Sema4
Classification: Likely benign for Hereditary cancer-predisposing syndrome. Last evaluated: 2021-12-09. Review status: criteria provided, single submitter. Criteria: Sema4 Curation Guidelines. Collection method: curation. Allele origin: germline.

Ambry Genetics
Classification: Likely benign for Hereditary cancer-predisposing syndrome. Last evaluated: 2015-12-30. Review status: criteria provided, single submitter. Criteria: Ambry Variant Classification Scheme 2023. Collection method: clinical testing. Allele origin: germline.

NM_003072.5(SMARCA4):c.1884C>T (p.Leu628=)

Gene: SMARCA4 (SWI/SNF related BAF chromatin remodeling complex subunit ATPase 4; plus strand). Cytogenetic location: 19p13.2.
Variant type: single nucleotide variant.
Coding change: c.1884C>T on transcript NM_003072.5 (MANE Select); coding-DNA position 1884, C replaced by T.
Protein change: p.Leu628=; no amino-acid change (leucine 628 retained).
Molecular consequence: synonymous variant. On other transcripts: non-coding transcript variant (1).
Genome position (GRCh38, 1-based): chr19:11,003,100, C>T. VCF-style: chr19-11003100-C-T. GRCh37 (hg19) VCF-style: chr19-11113776-C-T.
Other names: c.1884C>T, p.Leu628= (NM_001128844.3, NM_001128845.2, NM_001128846.2 and 5 more transcripts).
Identifiers: ClinVar variation 480592 (VCV000480592.19), dbSNP rs1200703140, ClinGen allele CA505486314.